The following is an entry in ClinVar:

ClinVar aggregate classification (germline): Uncertain significance. Review status: criteria provided, multiple submitters, no conflicts (2 of 4 stars). 2 submissions from 2 submitters: Uncertain significance (2). Last evaluated 2023-10-08.

Conditions:
Charcot-Marie-Tooth disease type 2. Also called: Charcot-Marie-Tooth type 2. Identifiers: Orphanet 64746, MedGen C0270914, MONDO:0018993.

Allele frequency attached by ClinVar (database versions not stated): gnomAD exomes below 0.00001.
gnomAD v4.1: 1 of 1,613,758 alleles (0.000062%); highest among the groups gnomAD compares: Non-Finnish European, 0.000085%; no homozygotes.

Submissions (2):

Ambry Genetics
Classification: Uncertain significance. Last evaluated: 2023-10-08. Review status: criteria provided, single submitter. Criteria: Ambry Variant Classification Scheme 2023. Collection method: clinical testing. Allele origin: germline.
Comment: The p.V962A variant (also known as c.2885T>C), located in coding exon 25 of the KIF1B gene, results from a T to C substitution at nucleotide position 2885. The valine at codon 962 is replaced by alanine, an amino acid with similar properties. This amino acid position is conserved. In addition, the in silico prediction for this alteration is inconclusive. Since supporting evidence is limited at this time, the clinical significance of this alteration remains unclear.

Labcorp Genetics (formerly Invitae), Labcorp
Classification: Uncertain significance for Charcot-Marie-Tooth disease type 2. Last evaluated: 2022-09-27. Review status: criteria provided, single submitter. Criteria: Invitae Variant Classification Sherloc (09022015). Collection method: clinical testing. Allele origin: germline.
Comment: In summary, the available evidence is currently insufficient to determine the role of this variant in disease. Therefore, it has been classified as a Variant of Uncertain Significance. Advanced modeling of protein sequence and biophysical properties (such as structural, functional, and spatial information, amino acid conservation, physicochemical variation, residue mobility, and thermodynamic stability) performed at Invitae indicates that this missense variant is not expected to disrupt KIF1B protein function. This variant has not been reported in the literature in individuals affected with KIF1B-related conditions. This variant is not present in population databases (gnomAD no frequency). This sequence change replaces valine, which is neutral and non-polar, with alanine, which is neutral and non-polar, at codon 962 of the KIF1B protein (p.Val962Ala).

NM_001365951.3(KIF1B):c.3023T>C (p.Val1008Ala)

Gene: KIF1B (kinesin family member 1B; plus strand). Cytogenetic location: 1p36.22.
Variant type: single nucleotide variant.
Coding change: c.3023T>C on transcript NM_001365951.3 (MANE Select); coding-DNA position 3023, T replaced by C.
Protein change: p.Val1008Ala; replaces valine 1008 with alanine.
Molecular consequence: missense variant.
Genome position (GRCh38, 1-based): chr1:10,334,618, T>C. VCF-style: chr1-10334618-T-C. GRCh37 (hg19) VCF-style: chr1-10394676-T-C.
Other names: c.3023T>C, p.Val1008Ala (NM_001365952.1); c.2885T>C, p.Val962Ala (NM_015074.3); short protein forms V962A, V1008A.
Identifiers: ClinVar variation 2113193 (VCV002113193.5), dbSNP rs1652093773, ClinGen allele CA338338827.
Genomic context (GRCh38, chr1:10,334,618, plus strand): 5'-CCCTGATCCACAGGGTGGCCATCGTCAGTGAGAAAGGTGAAGTGCGGGGATTTCTGCGTG[T>C]GGCTGTACAGGCCATCGCAGGTAGGTGACCCTCTTCTGAAATGAGAGCTGTGAGTTCTTT-3'
Protein context (NP_001352880.1, residues 998-1018): EKGEVRGFLR[Val1008Ala]AVQAIAADEE